The following is an entry in ClinVar:

ClinVar aggregate classification (germline): Conflicting classifications of pathogenicity. Review status: criteria provided, conflicting classifications (1 of 4 stars). 9 submissions from 9 submitters: Uncertain significance (3); Benign (1); Likely benign (4). 1 of the submissions does not count toward it. Last evaluated 2025-11-05.

Conditions:
Inborn genetic diseases. Identifiers: MedGen C0950123, MeSH D030342.
Intellectual developmental disorder with autism and macrocephaly. Also called: Autism, susceptibility to, 18; CHD8-Related Neurodevelopmental Disorder with Overgrowth. Identifiers: Orphanet 642675, MedGen C3554373, MONDO:0014017, OMIM 615032.
CHD8-related disorder. Also called: CHD8-related disorders; CHD8-related condition.

Allele frequency attached by ClinVar (database versions not stated): TOPMed 0.00014; 1000 Genomes Project 30x 0.00016; gnomAD 0.00019; 1000 Genomes Project 0.00020.
gnomAD v4.1: 357 of 1,613,962 alleles (0.022%); highest among the groups gnomAD compares: Middle Eastern, 0.91%; 2 homozygotes.

Submissions (9):

Labcorp Genetics (formerly Invitae), Labcorp
Classification: Likely benign. Last evaluated: 2025-11-05. Review status: criteria provided, single submitter. Criteria: Invitae Variant Classification Sherloc (09022015). Collection method: clinical testing. Allele origin: germline.

Blueprint Genetics
Classification: Likely benign. Last evaluated: 2024-11-26. Review status: criteria provided, single submitter. Criteria: ACMG Guidelines, 2015. Collection method: clinical testing. Allele origin: germline.

CeGaT Center for Human Genetics Tuebingen
Classification: Likely benign. Last evaluated: 2024-07-01. Review status: criteria provided, single submitter. Criteria: CeGaT Center For Human Genetics Tuebingen Variant Classification Criteria Version 2. Collection method: clinical testing. Allele origin: germline. Affected: yes. Observed: 2 variant alleles.
Comment: CHD8: BS2

GeneDx
Classification: Benign. Last evaluated: 2020-09-10. Review status: criteria provided, single submitter. Criteria: GeneDx Variant Classification Process June 2021. Collection method: clinical testing. Allele origin: germline. Affected: yes.

Baylor Genetics
Classification: Uncertain significance for Intellectual developmental disorder with autism and macrocephaly. Last evaluated: 2019-09-06. Review status: criteria provided, single submitter. Criteria: ACMG Guidelines, 2015. Collection method: clinical testing. Allele origin: unknown. Affected: yes.
Comment: This variant was determined to be of uncertain significance according to ACMG Guidelines, 2015 [PMID:25741868].

Ambry Genetics
Classification: Likely benign for Inborn genetic diseases. Last evaluated: 2019-05-06. Review status: criteria provided, single submitter. Criteria: Ambry Variant Classification Scheme 2023. Collection method: clinical testing. Allele origin: germline.

Revvity Omics, Revvity
Classification: Uncertain significance for Intellectual developmental disorder with autism and macrocephaly. Last evaluated: 2019-02-04. Review status: criteria provided, single submitter. Criteria: ACMG Guidelines, 2015. Collection method: clinical testing. Allele origin: germline.

Eurofins Ntd Llc (ga)
Classification: Uncertain significance. Last evaluated: 2015-10-30. Review status: criteria provided, single submitter. Criteria: EGL Classification Definitions 2015. Collection method: clinical testing. Allele origin: germline. Observed: 1 variant allele, 1 heterozygote.

PreventionGenetics, part of Exact Sciences
Classification: Likely benign for CHD8-related condition. Last evaluated: 2022-02-09. Review status: no assertion criteria provided. Collection method: clinical testing. Allele origin: germline. Not counted in ClinVar's aggregate classification.
Comment: This variant is classified as likely benign based on ACMG/AMP sequence variant interpretation guidelines (Richards et al. 2015 PMID: 25741868, with internal and published modifications).

NM_001170629.2(CHD8):c.1325G>A (p.Gly442Glu)

Gene: CHD8 (chromodomain helicase DNA binding protein 8; minus strand). Cytogenetic location: 14q11.2.
Variant type: single nucleotide variant.
Coding change: c.1325G>A on transcript NM_001170629.2 (MANE Select); coding-DNA position 1325, G replaced by A.
Protein change: p.Gly442Glu; replaces glycine 442 with glutamic acid.
Molecular consequence: missense variant.
Genome position (GRCh38, 1-based): chr14:21,428,145, C>T on the plus strand (G>A on the coding strand, the complement: CHD8 is on the minus strand). VCF-style: chr14-21428145-C-T. GRCh37 (hg19) VCF-style: chr14-21896304-C-T.
Other names: c.488G>A, p.Gly163Glu (NM_020920.4); short protein forms G163E, G442E.
Identifiers: ClinVar variation 284182 (VCV000284182.45), dbSNP rs553367989, ClinGen allele CA7091790.